The following is an entry in ClinVar:

NM_025207.5(FLAD1):c.1117+1G>T

Gene: FLAD1 (flavin adenine dinucleotide synthetase 1; plus strand). Cytogenetic location: 1q21.3.
Variant type: single nucleotide variant.
Coding change: c.1117+1G>T on transcript NM_025207.5 (MANE Select); the canonical splice donor site of the intron after coding-DNA position 1117, G replaced by T.
Molecular consequence: splice donor variant. On other transcripts: missense variant (1).
Genome position (GRCh38, 1-based): chr1:154,988,850, G>T. VCF-style: chr1-154988850-G-T. GRCh37 (hg19) VCF-style: chr1-154961326-G-T.
Other names: c.821G>T, p.Gly274Val (NM_001184892.2); c.826+1G>T (NM_001184891.2, NM_201398.3); short protein forms G274V.
Identifiers: ClinVar variation 2131826 (VCV002131826.4), dbSNP rs1323688594, ClinGen allele CA342749602.

ClinVar aggregate classification (germline): Likely pathogenic (1 of 4 stars; one submission).

Submission:

Labcorp Genetics (formerly Invitae), Labcorp
Classification: Likely pathogenic. Last evaluated: 2023-08-10. Review status: criteria provided, single submitter. Criteria: Invitae Variant Classification Sherloc (09022015). Collection method: clinical testing. Allele origin: germline.
Comment: This sequence change affects a donor splice site in intron 2 of the FLAD1 gene. It is expected to disrupt RNA splicing. Variants that disrupt the donor or acceptor splice site typically lead to a loss of protein function (PMID: 16199547), and loss-of-function variants in FLAD1 are known to be pathogenic (PMID: 27259049). This variant is not present in population databases (gnomAD no frequency). This variant has not been reported in the literature in individuals affected with FLAD1-related conditions. ClinVar contains an entry for this variant (Variation ID: 2131826). Algorithms developed to predict the effect of sequence changes on RNA splicing suggest that this variant may disrupt the consensus splice site. In summary, the currently available evidence indicates that the variant is pathogenic, but additional data are needed to prove that conclusively. Therefore, this variant has been classified as Likely Pathogenic.

Literature cited by the submitters: PubMed 16199547; PubMed 27259049.